The following is an entry in ClinVar:

ClinVar aggregate classification (germline): Uncertain significance (1 of 4 stars; one submission).

Conditions:
Charcot-Marie-Tooth disease type 2E (CMT2E). Also called: CHARCOT-MARIE-TOOTH DISEASE, AXONAL, TYPE 2E; CHARCOT-MARIE-TOOTH NEUROPATHY, TYPE 2E. Identifiers: Orphanet 99939, MedGen C1843225, MONDO:0011894, OMIM 607684.

Submission:

Labcorp Genetics (formerly Invitae), Labcorp
Classification: Uncertain significance for Charcot-Marie-Tooth disease type 2E. Last evaluated: 2025-10-02. Review status: criteria provided, single submitter. Criteria: Invitae Variant Classification Sherloc (09022015). Collection method: clinical testing. Allele origin: germline.
Comment: This variant, c.475_996del, results in the deletion of 174 amino acid(s) of the NEFL protein (p.Ala159_Gln332del), but otherwise preserves the integrity of the reading frame. This variant is not present in population databases (gnomAD no frequency). This variant has not been reported in the literature in individuals affected with NEFL-related conditions. ClinVar contains an entry for this variant (Variation ID: 2088318). Experimental studies and prediction algorithms are not available or were not evaluated, and the functional significance of this variant is currently unknown. In summary, the available evidence is currently insufficient to determine the role of this variant in disease. Therefore, it has been classified as a Variant of Uncertain Significance.

NM_006158.5(NEFL):c.475_996del (p.Ala159_Gln332del)

Gene: NEFL (neurofilament light chain; minus strand). Cytogenetic location: 8p21.2.
Variant type: Deletion.
Coding change: c.475_996del on transcript NM_006158.5 (MANE Select); coding-DNA positions 475 to 996, 522 bases deleted.
Protein change: p.Ala159_Gln332del.
Molecular consequence: inframe deletion.
Genome position (GRCh38, 1-based): chr8:24,955,520-24,956,041, 522 bases deleted. GRCh37 (hg19): chr8:24,813,043-24,813,564.
Identifiers: ClinVar variation 2088318 (VCV002088318.4), dbSNP rs2486885766, ClinGen allele CA2580078209.